The following is an entry in ClinVar:

NM_005006.7(NDUFS1):c.1076A>G (p.Asn359Ser)

Gene: NDUFS1 (NADH:ubiquinone oxidoreductase core subunit S1; minus strand). Cytogenetic location: 2q33.3.
Variant type: single nucleotide variant.
Coding change: c.1076A>G on transcript NM_005006.7 (MANE Select); coding-DNA position 1076, A replaced by G.
Protein change: p.Asn359Ser; replaces asparagine 359 with serine.
Molecular consequence: missense variant.
Genome position (GRCh38, 1-based): chr2:206,142,743, T>C on the plus strand (A>G on the coding strand, the complement: NDUFS1 is on the minus strand). VCF-style: chr2-206142743-T-C. GRCh37 (hg19) VCF-style: chr2-207007467-T-C.
Other names: c.968A>G, p.Asn323Ser (NM_001199981.2); c.743A>G, p.Asn248Ser (NM_001199982.2); c.905A>G, p.Asn302Ser (NM_001199983.2); c.1118A>G, p.Asn373Ser (NM_001199984.2); short protein forms N248S, N373S, N302S, N323S, N359S.
Identifiers: ClinVar variation 1519353 (VCV001519353.6), dbSNP rs1254059933, ClinGen allele CA350053333.
Genomic context (GRCh38, chr2:206,142,743, plus strand): 5'-CACCCAGCTCCTGCAGTGGGGAAGACCTCTTCAGTGCATAAGGTGTCAGAGTCCACTCTA[T>C]TAAGCAAATCTTTGAGAGCTACCAGGGCTTCAGCATCCACCAAGCCACCTGCAATTGCTG-3'
Protein context (NP_004997.4, residues 349-369): EALVALKDLL[Asn359Ser]RVDSDTLCTE

ClinVar aggregate classification (germline): Uncertain significance (1 of 4 stars; one submission).

Allele frequency attached by ClinVar (database versions not stated): gnomAD exomes below 0.00001 and 0.00001; gnomAD 0.00001.
gnomAD v4.1: 9 of 1,614,070 alleles (0.00056%); highest among the groups gnomAD compares: Non-Finnish European, 0.00076%; no homozygotes.

Submission:

Labcorp Genetics (formerly Invitae), Labcorp
Classification: Uncertain significance. Last evaluated: 2025-01-13. Review status: criteria provided, single submitter. Criteria: Invitae Variant Classification Sherloc (09022015). Collection method: clinical testing. Allele origin: germline.
Comment: This sequence change replaces asparagine, which is neutral and polar, with serine, which is neutral and polar, at codon 359 of the NDUFS1 protein (p.Asn359Ser). This variant is present in population databases (no rsID available, gnomAD 0.002%). This variant has not been reported in the literature in individuals affected with NDUFS1-related conditions. ClinVar contains an entry for this variant (Variation ID: 1519353). Invitae Evidence Modeling of protein sequence and biophysical properties (such as structural, functional, and spatial information, amino acid conservation, physicochemical variation, residue mobility, and thermodynamic stability) has been performed for this missense variant. However, the output from this modeling did not meet the statistical confidence thresholds required to predict the impact of this variant on NDUFS1 protein function. In summary, the available evidence is currently insufficient to determine the role of this variant in disease. Therefore, it has been classified as a Variant of Uncertain Significance.